The following is an entry in ClinVar:

ClinVar aggregate classification (germline): Uncertain significance (1 of 4 stars; one submission).

Allele frequency attached by ClinVar (database versions not stated): gnomAD 0.00003 and 0.00004; gnomAD exomes 0.00003 and 0.00004; TOPMed 0.00003.
gnomAD v4.1: 65 of 1,536,936 alleles (0.0042%); highest among the groups gnomAD compares: Non-Finnish European, 0.0053%; no homozygotes.

Submission:

GeneDx
Classification: Uncertain significance. Last evaluated: 2023-05-25. Review status: criteria provided, single submitter. Criteria: GeneDx Variant Classification Process June 2021. Collection method: clinical testing. Allele origin: germline. Affected: yes.
Comment: In silico analysis supports that this missense variant has a deleterious effect on protein structure/function; Has not been previously published as pathogenic or benign to our knowledge; This variant is associated with the following publications: (PMID: 27535533)

NM_001378183.1(PIEZO2):c.3139A>G (p.Thr1047Ala)

Gene: PIEZO2 (piezo type mechanosensitive ion channel component 2; minus strand). Cytogenetic location: 18p11.22.
Variant type: single nucleotide variant.
Coding change: c.3139A>G on transcript NM_001378183.1 (MANE Select); coding-DNA position 3139, A replaced by G.
Protein change: p.Thr1047Ala; replaces threonine 1047 with alanine.
Molecular consequence: missense variant.
Genome position (GRCh38, 1-based): chr18:10,762,610, T>C on the plus strand (A>G on the coding strand, the complement: PIEZO2 is on the minus strand). VCF-style: chr18-10762610-T-C. GRCh37 (hg19) VCF-style: chr18-10762608-T-C.
Other names: c.3064A>G, p.Thr1022Ala (NM_022068.4); short protein forms T1022A, T1047A.
Identifiers: ClinVar variation 1305814 (VCV001305814.3), dbSNP rs781620744, ClinGen allele CA296032409.